The following is an entry in ClinVar:

NM_001365536.1(SCN9A):c.4354T>C (p.Phe1452Leu)

Genes: SCN9A (sodium voltage-gated channel alpha subunit 9; minus strand), SCN1A-AS1 (SCN1A and SCN9A antisense RNA 1; plus strand). Cytogenetic location: 2q24.3.
Variant type: single nucleotide variant.
Coding change: c.4354T>C on transcript NM_001365536.1 (MANE Select); coding-DNA position 4354, T replaced by C.
Protein change: p.Phe1452Leu; replaces phenylalanine 1452 with leucine.
Molecular consequence: missense variant.
Genome position (GRCh38, 1-based): chr2:166,226,611, A>G on the plus strand (T>C on the coding strand, the complement: SCN9A is on the minus strand). VCF-style: chr2-166226611-A-G. GRCh37 (hg19) VCF-style: chr2-167083121-A-G.
Other names: c.4321T>C, p.Phe1441Leu (NM_002977.4); short protein forms F1452L, F1441L.
Identifiers: ClinVar variation 1393776 (VCV001393776.8), dbSNP rs2106383267, ClinGen allele CA349061917.
Genomic context (GRCh38, chr2:166,226,611, plus strand): 5'-TATTTGAAATACTTATCTTCTTTTTCTGTTGGTTGAAATTATCTATGATGACACCAATGA[A>G]CAAGTTCAAAGTGAAGAATGACCCAAAGATGATAAAGACGACAAAATAAATATACATGTA-3'
Protein context (NP_001352465.1, residues 1442-1462): IFGSFFTLNL[Phe1452Leu]IGVIIDNFNQ

ClinVar aggregate classification (germline): Uncertain significance (1 of 4 stars; one submission).

Conditions:
Neuropathy, hereditary sensory and autonomic, type 2A (HSAN2A). Also called: HSAN IIA; WNK1-Related HSAN2 (HSAN2A); ACROOSTEOLYSIS, GIACCAI TYPE; ACROOSTEOLYSIS, NEUROGENIC; MORVAN DISEASE; NEUROPATHY, CONGENITAL SENSORY. Identifiers: Orphanet 970, MedGen C2752089, MONDO:0024309, OMIM 201300.
Generalized epilepsy with febrile seizures plus, type 7 (GEFSP7). Also called: GEFS+, TYPE 7. Identifiers: Orphanet 36387, MedGen C2751778, MONDO:0013470, OMIM 613863.

Submission:

Labcorp Genetics (formerly Invitae), Labcorp
Classification: Uncertain significance for Neuropathy, hereditary sensory and autonomic, type 2A; Generalized epilepsy with febrile seizures plus, type 7. Last evaluated: 2020-11-27. Review status: criteria provided, single submitter. Criteria: Invitae Variant Classification Sherloc (09022015). Collection method: clinical testing. Allele origin: germline.
Comment: In summary, the available evidence is currently insufficient to determine the role of this variant in disease. Therefore, it has been classified as a Variant of Uncertain Significance. Algorithms developed to predict the effect of missense changes on protein structure and function are either unavailable or do not agree on the potential impact of this missense change (SIFT: "Deleterious"; PolyPhen-2: "Benign"; Align-GVGD: "Class C15"). This variant has not been reported in the literature in individuals with SCN9A-related conditions. This variant is not present in population databases (ExAC no frequency). This sequence change replaces phenylalanine with leucine at codon 1441 of the SCN9A protein (p.Phe1441Leu). The phenylalanine residue is highly conserved and there is a small physicochemical difference between phenylalanine and leucine.